The following is an entry in ClinVar:

NM_000540.3(RYR1):c.13648del (p.Arg4549_Val4550insTer)

Gene: RYR1 (ryanodine receptor 1; plus strand). Cytogenetic location: 19q13.2.
Variant type: Deletion.
Coding change: c.13648del on transcript NM_000540.3 (MANE Select); coding-DNA position 13648, one base deleted (G; older notation c.13648delG).
Protein change: p.Arg4549_Val4550insTer.
Molecular consequence: nonsense.
Genome position (GRCh38, 1-based): chr19:38,567,906, G deleted; the last of 3 consecutive G bases (chr19:38,567,904-38,567,906); deleting any one gives the same sequence. VCF-style (leftmost placement, unchanged base first): chr19-38567903-AG-A. GRCh37 (hg19) VCF-style: chr19-39058543-AG-A.
Other names: c.13633del, p.Arg4544_Val4545insTer (NM_001042723.2).
Identifiers: ClinVar variation 5005987 (VCV005005987.2).

ClinVar aggregate classification (germline): Likely pathogenic (1 of 4 stars; one submission).

Conditions:
Congenital multicore myopathy with external ophthalmoplegia (CMYO1B). Also called: MULTIMINICORE DISEASE WITH EXTERNAL OPHTHALMOPLEGIA; Minicore myopathy with external ophthalmoplegia; Congenital myopathy 1B, autosomal recessive; Minicore myopathy; MULTICORE MYOPATHY. Identifiers: Orphanet 598, Orphanet 98905, MedGen C1850674, MONDO:0009712, OMIM 255320, HP:0003789.

Submission:

Juno Genomics, Hangzhou Juno Genomics, Inc
Classification: Likely pathogenic for Congenital multicore myopathy with external ophthalmoplegia. Review status: criteria provided, single submitter. Criteria: ACMG Guidelines, 2015. Collection method: clinical testing. Allele origin: germline.
Comment: Null variant in a gene where loss of function (LOF) is a known mechanism of disease.;Absent from controls (or at extremely low frequency if recessive) in Genome Aggregation Database.